The following is an entry in ClinVar:

NM_001127222.2(CACNA1A):c.7209T>G (p.Gly2403=)

Gene: CACNA1A (calcium voltage-gated channel subunit alpha1 A; minus strand). Cytogenetic location: 19p13.13.
Variant type: single nucleotide variant.
Coding change: c.7209T>G on transcript NM_001127222.2 (MANE Select); coding-DNA position 7209, T replaced by G.
Protein change: p.Gly2403=; no amino-acid change (glycine 2403 retained).
Molecular consequence: synonymous variant. On other transcripts: 3 prime UTR variant (3).
Genome position (GRCh38, 1-based): chr19:13,207,625, A>C on the plus strand (T>G on the coding strand, the complement: CACNA1A is on the minus strand). VCF-style: chr19-13207625-A-C. GRCh37 (hg19) VCF-style: chr19-13318439-A-C.
Other names: c.*421T>G (NM_000068.4, NM_001127221.2, NM_001174080.2); c.7227T>G, p.Gly2409= (NM_023035.3).
Identifiers: ClinVar variation 3353065 (VCV003353065.1).

ClinVar aggregate classification (germline): Likely benign (0 of 4 stars; one submission).

Conditions:
CACNA1A-related disorder. Also called: CACNA1A-related condition.

gnomAD v4.1: 1 of 1,478,350 alleles (0.000068%); highest among the groups gnomAD compares: Non-Finnish European, 0.00009%; no homozygotes.

Submission:

PreventionGenetics, part of Exact Sciences
Classification: Likely benign for CACNA1A-related condition. Last evaluated: 2024-06-26. Review status: no assertion criteria provided. Collection method: clinical testing. Allele origin: germline.
Comment: This variant is classified as likely benign based on ACMG/AMP sequence variant interpretation guidelines (Richards et al. 2015 PMID: 25741868, with internal and published modifications).